The following is an entry in ClinVar:

ClinVar aggregate classification (germline): Conflicting classifications of pathogenicity. Review status: criteria provided, conflicting classifications (1 of 4 stars). 7 submissions from 2 submitters: Uncertain significance (2); Benign (5). Last evaluated 2024-02-24.

Conditions:
Scapuloperoneal spinal muscular atrophy (SPSMA). Also called: Scapuloperoneal spinal muscular atrophy, autosomal dominant; Scapuloperoneal Spinal Muscular Atrophy, TRPV4-Related; Scapuloperoneal Form of Spinal Muscular Atrophy; AMYOTROPHY, NEUROGENIC SCAPULOPERONEAL, NEW ENGLAND TYPE. Identifiers: Orphanet 431255, MedGen C0751335, MONDO:0008408, OMIM 181405.
Brachyrachia (short spine dysplasia) (BCYM3). Also called: Brachyolmia, TRPV4-Related; Brachyolmia Type 3; BRACHYRACHIA; Autosomal dominant brachyolmia. Identifiers: Orphanet 93304, MedGen C0432227, MONDO:0007232, OMIM 113500.
Neuronopathy, distal hereditary motor, autosomal dominant 8. Also called: NEURONOPATHY, DISTAL HEREDITARY MOTOR, TYPE VIII; NEUROPATHY, DISTAL HEREDITARY MOTOR, TYPE VIII; SPINAL MUSCULAR ATROPHY, CONGENITAL BENIGN, WITH CONTRACTURES; Autosomal dominant congenital benign spinal muscular atrophy. Identifiers: Orphanet 1216, MedGen C1838492, MONDO:0010839, OMIM 600175.
Charcot-Marie-Tooth disease axonal type 2C (HMSN2C). Also called: Charcot-Marie-Tooth Disease Type 2, TRPV4-Related (CMT2C); CHARCOT-MARIE-TOOTH DISEASE, AXONAL, AUTOSOMAL DOMINANT, TYPE 2C; Charcot-Marie-Tooth Neuropathy Type 2C. Identifiers: Orphanet 99937, MedGen C1853710, MONDO:0011633, OMIM 606071.
Spondylometaphyseal dysplasia, Kozlowski type (SMDK). Also called: Spondylometaphyseal Dysplasia, TRPV4-Related (Kozlowski Type); Dysmorphism arthrogryposis skeletal maturation advanced; Jequier-Kozlowski syndrome; Skeletal dysplasia Jequier-Kozlowski type; SMD Kozlowski type. Identifiers: Orphanet 93314, MedGen C0265280, MONDO:0008477, OMIM 184252.
Metatropic dysplasia (MTD). Also called: Metatropic Dysplasia, TRPV4-Related; Metatropic dysplasia, nonlethal dominant; METATROPIC DWARFISM. Identifiers: Orphanet 2635, MedGen C0265281, MONDO:0007986, OMIM 156530.

Allele frequency attached by ClinVar (database versions not stated): TOPMed 0.00001; gnomAD 0.00002; gnomAD exomes 0.00003 and 0.00007; ExAC 0.00014.
gnomAD v4.1: 47 of 1,612,616 alleles (0.0029%); highest among the groups gnomAD compares: East Asian, 0.011%; no homozygotes.

Submissions (7):

Labcorp Genetics (formerly Invitae), Labcorp
Classification: Uncertain significance for Charcot-Marie-Tooth disease axonal type 2C. Last evaluated: 2024-02-24. Review status: criteria provided, single submitter. Criteria: Invitae Variant Classification Sherloc (09022015). Collection method: clinical testing. Allele origin: germline.
Comment: This sequence change replaces alanine, which is neutral and non-polar, with threonine, which is neutral and polar, at codon 489 of the TRPV4 protein (p.Ala489Thr). This variant is present in population databases (rs758280554, gnomAD 0.02%). This variant has not been reported in the literature in individuals affected with TRPV4-related conditions. ClinVar contains an entry for this variant (Variation ID: 583175). Advanced modeling of protein sequence and biophysical properties (such as structural, functional, and spatial information, amino acid conservation, physicochemical variation, residue mobility, and thermodynamic stability) has been performed at Invitae for this missense variant, however the output from this modeling did not meet the statistical confidence thresholds required to predict the impact of this variant on TRPV4 protein function. In summary, the available evidence is currently insufficient to determine the role of this variant in disease. Therefore, it has been classified as a Variant of Uncertain Significance.

Illumina Laboratory Services, Illumina
Classification: Uncertain significance for Charcot-Marie-Tooth disease axonal type 2C. Last evaluated: 2018-02-09. Review status: criteria provided, single submitter. Criteria: ICSL Variant Classification Criteria 13 December 2019. Collection method: clinical testing. Allele origin: germline.

Illumina Laboratory Services, Illumina
Classification: Benign for Metatropic dysplasia. Last evaluated: 2018-02-08. Review status: criteria provided, single submitter. Criteria: ICSL Variant Classification Criteria 13 December 2019. Collection method: clinical testing. Allele origin: germline.
Comment: This variant was observed in the ICSL laboratory as part of a predisposition screen in an ostensibly healthy population. It had not been previously curated by ICSL or reported in the Human Gene Mutation Database (HGMD: prior to June 1st, 2018), and was therefore a candidate for classification through an automated scoring system. Utilizing variant allele frequency, disease prevalence and penetrance estimates, and inheritance mode, an automated score was calculated to assess if this variant is too frequent to cause the disease. Based on the score and internal cut-off values, a variant classified as benign is not then subjected to further curation. The score for this variant resulted in a classification of benign for this disease.

Illumina Laboratory Services, Illumina
Classification: Benign for Spondylometaphyseal dysplasia, Kozlowski type. Last evaluated: 2018-02-08. Review status: criteria provided, single submitter. Criteria: ICSL Variant Classification Criteria 13 December 2019. Collection method: clinical testing. Allele origin: germline.
Comment: the same text as in the submission from Illumina Laboratory Services, Illumina above.

Illumina Laboratory Services, Illumina
Classification: Benign for Brachyrachia (short spine dysplasia). Last evaluated: 2018-02-08. Review status: criteria provided, single submitter. Criteria: ICSL Variant Classification Criteria 13 December 2019. Collection method: clinical testing. Allele origin: germline.
Comment: the same text as in the submission from Illumina Laboratory Services, Illumina above.

Illumina Laboratory Services, Illumina
Classification: Benign for Neuronopathy, distal hereditary motor, autosomal dominant 8. Last evaluated: 2018-02-08. Review status: criteria provided, single submitter. Criteria: ICSL Variant Classification Criteria 13 December 2019. Collection method: clinical testing. Allele origin: germline.
Comment: the same text as in the submission from Illumina Laboratory Services, Illumina above.

Illumina Laboratory Services, Illumina
Classification: Benign for Scapuloperoneal spinal muscular atrophy. Last evaluated: 2018-02-08. Review status: criteria provided, single submitter. Criteria: ICSL Variant Classification Criteria 13 December 2019. Collection method: clinical testing. Allele origin: germline.
Comment: the same text as in the submission from Illumina Laboratory Services, Illumina above.

NM_021625.5(TRPV4):c.1465G>A (p.Ala489Thr)

Gene: TRPV4 (transient receptor potential cation channel subfamily V member 4; minus strand). Cytogenetic location: 12q24.11.
Variant type: single nucleotide variant.
Coding change: c.1465G>A on transcript NM_021625.5 (MANE Select); coding-DNA position 1465, G replaced by A.
Protein change: p.Ala489Thr; replaces alanine 489 with threonine.
Molecular consequence: missense variant.
Genome position (GRCh38, 1-based): chr12:109,794,355, C>T on the plus strand (G>A on the coding strand, the complement: TRPV4 is on the minus strand). VCF-style: chr12-109794355-C-T. GRCh37 (hg19) VCF-style: chr12-110232160-C-T.
Other names: c.1324G>A, p.Ala442Thr (NM_001177428.2); c.1363G>A, p.Ala455Thr (NM_001177431.2); c.1144G>A, p.Ala382Thr (NM_001177433.2); c.1285G>A, p.Ala429Thr (NM_147204.3); short protein forms A489T, A382T, A442T, A429T, A455T.
Identifiers: ClinVar variation 583175 (VCV000583175.14), dbSNP rs758280554, ClinGen allele CA6780234.